The following is an entry in ClinVar:

NM_005591.4(MRE11):c.1195T>A (p.Phe399Ile)

Gene: MRE11 (MRE11 double strand break repair nuclease; minus strand). Cytogenetic location: 11q21.
Variant type: single nucleotide variant.
Coding change: c.1195T>A on transcript NM_005591.4 (MANE Select); coding-DNA position 1195, T replaced by A.
Protein change: p.Phe399Ile; replaces phenylalanine 399 with isoleucine.
Molecular consequence: missense variant.
Genome position (GRCh38, 1-based): chr11:94,464,143, A>T on the plus strand (T>A on the coding strand, the complement: MRE11 is on the minus strand). VCF-style: chr11-94464143-A-T. GRCh37 (hg19) VCF-style: chr11-94197309-A-T.
Other names: c.1195T>A, p.Phe399Ile (NM_001330347.2, NM_005590.4); short protein forms F399I.
Identifiers: ClinVar variation 534777 (VCV000534777.10), dbSNP rs904951211, ClinGen allele CA382372744.

ClinVar aggregate classification (germline): Uncertain significance (1 of 4 stars; one submission).

Conditions:
Ataxia-telangiectasia-like disorder (ATLD). Identifiers: MedGen C1858391, MONDO:0011457.

Submission:

Labcorp Genetics (formerly Invitae), Labcorp
Classification: Uncertain significance for Ataxia-telangiectasia-like disorder. Last evaluated: 2017-12-05. Review status: criteria provided, single submitter. Criteria: Invitae Variant Classification Sherloc (09022015). Collection method: clinical testing. Allele origin: germline.
Comment: In summary, the available evidence is currently insufficient to determine the role of this variant in disease. Therefore, it has been classified as a Variant of Uncertain Significance. Algorithms developed to predict the effect of missense changes on protein structure and function (SIFT, PolyPhen-2, Align-GVGD) all suggest that this variant is likely to be tolerated, but these predictions have not been confirmed by published functional studies and their clinical significance is uncertain. This variant has not been reported in the literature in individuals with MRE11-related disease. This variant is not present in population databases (ExAC no frequency). This sequence change replaces phenylalanine with isoleucine at codon 399 of the MRE11 protein (p.Phe399Ile). The phenylalanine residue is moderately conserved and there is a small physicochemical difference between phenylalanine and isoleucine.